The following is an entry in ClinVar:

NM_000052.7(ATP7A):c.2019del (p.Met674fs)

Gene: ATP7A (ATPase copper transporting alpha; plus strand). Cytogenetic location: Xq21.1.
Variant type: Deletion.
Coding change: c.2019del on transcript NM_000052.7 (MANE Select); coding-DNA position 2019, one base deleted (T; older notation c.2019delT).
Protein change: p.Met674fs; shifts the reading frame from methionine 674.
Molecular consequence: frameshift variant.
Genome position (GRCh38, 1-based): chrX:78,011,521, T deleted; the last of 2 consecutive T bases (chrX:78,011,520-78,011,521); deleting either gives the same sequence. VCF-style (leftmost placement, unchanged base first): chrX-78011519-GT-G. GRCh37 (hg19) VCF-style: chrX-77267016-GT-G.
Other names: c.2019del, p.Met674fs (NM_001282224.2); short protein forms M674fs.
Identifiers: ClinVar variation 2575981 (VCV002575981.1), dbSNP rs2522349949, ClinGen allele CA2580612275.

ClinVar aggregate classification (germline): Pathogenic (1 of 4 stars; one submission).

Submission:

Institute for Clinical Genetics, University Hospital TU Dresden, University Hospital TU Dresden
Classification: Pathogenic. Last evaluated: 2022-05-23. Review status: criteria provided, single submitter. Criteria: ACMG Guidelines, 2015. Collection method: clinical testing. Allele origin: germline.
Comment: PVS1, PP4, PM2_SUP